The following is an entry in ClinVar:

NM_001134363.3(RBM20):c.797A>G (p.His266Arg)

Gene: RBM20 (RNA binding motif protein 20; plus strand). Cytogenetic location: 10q25.2.
Variant type: single nucleotide variant.
Coding change: c.797A>G on transcript NM_001134363.3 (MANE Select); coding-DNA position 797, A replaced by G.
Protein change: p.His266Arg; replaces histidine 266 with arginine.
Molecular consequence: missense variant.
Genome position (GRCh38, 1-based): chr10:110,781,406, A>G. VCF-style: chr10-110781406-A-G. GRCh37 (hg19) VCF-style: chr10-112541164-A-G.
Other names: short protein forms H266R.
Identifiers: ClinVar variation 4802648 (VCV004802648.1).

ClinVar aggregate classification (germline): Uncertain significance (1 of 4 stars; one submission).

Conditions:
Dilated cardiomyopathy 1DD (CMD1DD). Identifiers: Orphanet 154, MedGen C2750995, MONDO:0013168, OMIM 613172.

Submission:

Labcorp Genetics (formerly Invitae), Labcorp
Classification: Uncertain significance for Dilated cardiomyopathy 1DD. Last evaluated: 2025-12-28. Review status: criteria provided, single submitter. Criteria: Invitae Variant Classification Sherloc (09022015). Collection method: clinical testing. Allele origin: germline.
Comment: This sequence change replaces histidine, which is basic and polar, with arginine, which is basic and polar, at codon 266 of the RBM20 protein (p.His266Arg). This variant is not present in population databases (gnomAD no frequency). This variant has not been reported in the literature in individuals affected with RBM20-related conditions. Invitae Evidence Modeling of protein sequence and biophysical properties (such as structural, functional, and spatial information, amino acid conservation, physicochemical variation, residue mobility, and thermodynamic stability) indicates that this missense variant is not expected to disrupt RBM20 protein function with a negative predictive value of 95%. In summary, the available evidence is currently insufficient to determine the role of this variant in disease. Therefore, it has been classified as a Variant of Uncertain Significance.